The following is an entry in ClinVar:

ClinVar aggregate classification (germline): Likely benign (1 of 4 stars; one submission).

Submission:

CeGaT Center for Human Genetics Tuebingen
Classification: Likely benign. Last evaluated: 2026-07-01. Review status: criteria provided, single submitter. Criteria: CeGaT Center For Human Genetics Tuebingen Variant Classification Criteria Version 2. Collection method: clinical testing. Allele origin: germline. Affected: yes. Observed: 1 variant allele.
Comment: AHNAK2: BP4, BP7

NM_138420.4(AHNAK2):c.6411G>A (p.Gly2137=)

Gene: AHNAK2 (AHNAK nucleoprotein 2; minus strand). Cytogenetic location: 14q32.33.
Variant type: single nucleotide variant.
Coding change: c.6411G>A on transcript NM_138420.4 (MANE Select); coding-DNA position 6411, G replaced by A.
Protein change: p.Gly2137=; no amino-acid change (glycine 2137 retained).
Molecular consequence: synonymous variant.
Genome position (GRCh38, 1-based): chr14:104,949,040, C>T on the plus strand (G>A on the coding strand, the complement: AHNAK2 is on the minus strand). VCF-style: chr14-104949040-C-T. GRCh37 (hg19) VCF-style: chr14-105415377-C-T.
Other names: c.6111G>A, p.Gly2037= (NM_001350929.2).
Identifiers: ClinVar variation 5039174 (VCV005039174.1).